The following is an entry in ClinVar:

NM_016277.5(RAB23):c.398+9G>A

Gene: RAB23 (RAB23, member RAS oncogene family; minus strand). Cytogenetic location: 6p12.1.
Variant type: single nucleotide variant.
Coding change: c.398+9G>A on transcript NM_016277.5 (MANE Select); 9 bases into the intron after coding-DNA position 398, G replaced by A.
Molecular consequence: intron variant.
Genome position (GRCh38, 1-based): chr6:57,196,441, C>T on the plus strand (G>A on the coding strand, the complement: RAB23 is on the minus strand). VCF-style: chr6-57196441-C-T. GRCh37 (hg19) VCF-style: chr6-57061239-C-T.
Other names: c.398+9G>A (NM_001278666.2, NM_001278667.2, NM_001278668.2 and 1 more transcripts).
Identifiers: ClinVar variation 357643 (VCV000357643.15), dbSNP rs376839366, ClinGen allele CA3873836.

ClinVar aggregate classification (germline): Conflicting classifications of pathogenicity. Review status: criteria provided, conflicting classifications (1 of 4 stars). 3 submissions from 3 submitters: Uncertain significance (1); Likely benign (1). 1 of the submissions does not count toward it. Last evaluated 2025-12-06.

Conditions:
Carpenter syndrome. Identifiers: Orphanet 65759, MedGen C1275078, MONDO:0019012.
RAB23-related disorder. Also called: RAB23-related condition.
RAB23-related Carpenter syndrome. Also called: ACPS II; Carpenter syndrome 1. Identifiers: Orphanet 65759, MedGen C4551510, MONDO:0008710, OMIM 201000.

Allele frequency attached by ClinVar (database versions not stated): gnomAD exomes 0.00003; TOPMed 0.00001; gnomAD 0.00001; ExAC 0.00005; ESP Exome Variant Server 0.00008.
gnomAD v4.1: 52 of 1,613,708 alleles (0.0032%); highest among the groups gnomAD compares: Middle Eastern, 0.46%; 2 homozygotes.

Submissions (3):

Labcorp Genetics (formerly Invitae), Labcorp
Classification: Likely benign for Carpenter syndrome. Last evaluated: 2025-12-06. Review status: criteria provided, single submitter. Criteria: Invitae Variant Classification Sherloc (09022015). Collection method: clinical testing. Allele origin: germline.

Illumina Laboratory Services, Illumina
Classification: Uncertain significance for RAB23-related Carpenter syndrome. Last evaluated: 2018-01-12. Review status: criteria provided, single submitter. Criteria: ICSL Variant Classification Criteria 13 December 2019. Collection method: clinical testing. Allele origin: germline.

PreventionGenetics, part of Exact Sciences
Classification: Likely benign for RAB23-related condition. Last evaluated: 2019-09-20. Review status: no assertion criteria provided. Collection method: clinical testing. Allele origin: germline. Not counted in ClinVar's aggregate classification.
Comment: This variant is classified as likely benign based on ACMG/AMP sequence variant interpretation guidelines (Richards et al. 2015 PMID: 25741868, with internal and published modifications).